The following is an entry in ClinVar:

ClinVar aggregate classification (germline): Conflicting classifications of pathogenicity. Review status: criteria provided, conflicting classifications (1 of 4 stars). 2 submissions from 2 submitters: Uncertain significance (1); Likely benign (1). Last evaluated 2026-01-20.

Allele frequency attached by ClinVar (database versions not stated): gnomAD exomes 0.00001; ExAC 0.00002; gnomAD 0.00005; TOPMed 0.00007; ESP Exome Variant Server 0.00015.
gnomAD v4.1: 21 of 1,610,288 alleles (0.0013%); highest among the groups gnomAD compares: African/African-American, 0.021%; no homozygotes.

Submissions (2):

Labcorp Genetics (formerly Invitae), Labcorp
Classification: Likely benign. Last evaluated: 2026-01-20. Review status: criteria provided, single submitter. Criteria: Invitae Variant Classification Sherloc (09022015). Collection method: clinical testing. Allele origin: germline.

GeneDx
Classification: Uncertain significance. Last evaluated: 2024-08-14. Review status: criteria provided, single submitter. Criteria: GeneDx Variant Classification Process June 2021. Collection method: clinical testing. Allele origin: germline. Affected: yes.
Comment: In silico analysis supports that this missense variant has a deleterious effect on protein structure/function; Has not been previously published as pathogenic or benign to our knowledge

NM_015909.4(NBAS):c.323G>A (p.Cys108Tyr)

Gene: NBAS (NBAS subunit of NRZ tethering complex; minus strand). Cytogenetic location: 2p24.3.
Variant type: single nucleotide variant.
Coding change: c.323G>A on transcript NM_015909.4 (MANE Select); coding-DNA position 323, G replaced by A.
Protein change: p.Cys108Tyr; replaces cysteine 108 with tyrosine.
Molecular consequence: missense variant. On other transcripts: non-coding transcript variant (1).
Genome position (GRCh38, 1-based): chr2:15,553,438, C>T on the plus strand (G>A on the coding strand, the complement: NBAS is on the minus strand). VCF-style: chr2-15553438-C-T. GRCh37 (hg19) VCF-style: chr2-15693562-C-T.
Other names: c.323G>A (NM_015909.3); short protein forms C108Y.
Identifiers: ClinVar variation 2417395 (VCV002417395.6), dbSNP rs376104463, ClinGen allele CA1537111.